The following is an entry in ClinVar:

ClinVar aggregate classification (germline): Benign (1 of 4 stars; one submission).

Submission:

Clinical Genomics Laboratory, Laboratory for Precision Diagnostics, University of Washington
Classification: Benign. Last evaluated: 2017-03-31. Review status: criteria provided, single submitter. Criteria: Clinical Cytogenomics Laboratory Policy on CNV Interpretation. Collection method: clinical testing. Allele origin: unknown. Affected: yes. Observed: 1 variant allele.

GRCh37/hg19 3p26.3(chr3:1165633-1661120)x3

Gene: CNTN6 (contactin 6; plus strand). Cytogenetic location: 3p26.3.
Variant type: copy number gain.
Change: copy number 3 (three copies instead of two) of chr3:1,165,633-1,661,120 (495.5 kb, GRCh37 coordinates, 1-based), cytogenetic band 3p26.3.
Identifiers: ClinVar variation 446363 (VCV000446363.4).